The following is an entry in ClinVar:

NM_007194.4(CHEK2):c.1260-11C>T

Gene: CHEK2 (checkpoint kinase 2; minus strand). Cytogenetic location: 22q12.1.
Variant type: single nucleotide variant.
Coding change: c.1260-11C>T on transcript NM_007194.4 (MANE Select); 11 bases into the intron before coding-DNA position 1260, C replaced by T.
Molecular consequence: intron variant.
Genome position (GRCh38, 1-based): chr22:28,695,253, G>A on the plus strand (C>T on the coding strand, the complement: CHEK2 is on the minus strand). VCF-style: chr22-28695253-G-A. GRCh37 (hg19) VCF-style: chr22-29091241-G-A.
Other names: c.597-11C>T (NM_001437942.1, NM_001257387.3); c.1059-11C>T (NM_001349956.3); c.1173-11C>T (NM_145862.3); c.1266-11C>T (NM_001438295.1); c.1353-11C>T (NM_001438293.1); c.1302-11C>T (NM_001438294.1); c.1389-11C>T (NM_001005735.3).
Identifiers: ClinVar variation 3773629 (VCV003773629.1).

ClinVar aggregate classification (germline): Likely benign (1 of 4 stars; one submission).

Conditions:
Familial cancer of breast. Also called: Hereditary breast cancer; BREAST CANCER, FAMILIAL; hereditary breast carcinoma. Identifiers: Orphanet 227535, MedGen C0346153, MONDO:0016419, OMIM 114480. Disease mechanism: loss of function.

Submission:

Myriad Genetics, Inc.
Classification: Likely benign for Familial cancer of breast. Last evaluated: 2024-10-07. Review status: criteria provided, single submitter. Criteria: Myriad Autosomal Dominant, Autosomal Recessive and X-Linked Classification Criteria (2023). Collection method: clinical testing. Allele origin: unknown.
Comment: This variant is considered likely benign. This variant is intronic and is not expected to impact mRNA splicing.